The following is an entry in ClinVar:

ClinVar aggregate classification (germline): Pathogenic (1 of 4 stars; one submission).

Submission:

Labcorp Genetics (formerly Invitae), Labcorp
Classification: Pathogenic. Last evaluated: 2023-10-16. Review status: criteria provided, single submitter. Criteria: Invitae Variant Classification Sherloc (09022015). Collection method: clinical testing. Allele origin: germline.
Comment: This sequence change creates a premature translational stop signal (p.Leu621*) in the ERCC6 gene. It is expected to result in an absent or disrupted protein product. Loss-of-function variants in ERCC6 are known to be pathogenic (PMID: 18628313, 29572252). This variant is not present in population databases (gnomAD no frequency). This variant has not been reported in the literature in individuals affected with ERCC6-related conditions. For these reasons, this variant has been classified as Pathogenic.

Literature cited by the submitters: PubMed 18628313; PubMed 29572252.

NM_000124.4(ERCC6):c.1862del (p.Ile620_Leu621insTer)

Gene: ERCC6 (ERCC excision repair 6, chromatin remodeling factor; minus strand). Cytogenetic location: 10q11.23.
Variant type: Deletion.
Coding change: c.1862del on transcript NM_000124.4 (MANE Select); coding-DNA position 1862, one base deleted (T; older notation c.1862delT).
Protein change: p.Ile620_Leu621insTer.
Molecular consequence: nonsense.
Genome position (GRCh38, 1-based): chr10:49,483,476, A deleted on the plus strand (T on the coding strand, the reverse complement: ERCC6 is on the minus strand); the first of 4 consecutive A bases (chr10:49,483,476-49,483,479); deleting any one gives the same sequence. VCF-style (leftmost placement, unchanged base first): chr10-49483475-CA-C. GRCh37 (hg19) VCF-style: chr10-50691521-CA-C.
Other names: c.1862del, p.Ile620_Leu621insTer (NM_001346440.2).
Identifiers: ClinVar variation 2766800 (VCV002766800.3), dbSNP rs2496009185, ClinGen allele CA2697558386.